The following is an entry in ClinVar:

NM_003995.4(NPR2):c.188A>C (p.Asp63Ala)

Gene: NPR2 (natriuretic peptide receptor 2; plus strand). Cytogenetic location: 9p13.3.
Variant type: single nucleotide variant.
Coding change: c.188A>C on transcript NM_003995.4 (MANE Select); coding-DNA position 188, A replaced by C.
Protein change: p.Asp63Ala; replaces aspartic acid 63 with alanine.
Molecular consequence: missense variant.
Genome position (GRCh38, 1-based): chr9:35,792,596, A>C. VCF-style: chr9-35792596-A-C. GRCh37 (hg19) VCF-style: chr9-35792593-A-C.
Other names: c.188A>C, p.Asp63Ala (NM_001378923.1); short protein forms D63A.
Identifiers: ClinVar variation 4782746 (VCV004782746.1).

ClinVar aggregate classification (germline): Uncertain significance (1 of 4 stars; one submission).

Conditions:
Tall stature-scoliosis-macrodactyly of the great toes syndrome. Also called: Epiphyseal chondrodysplasia, miura type. Identifiers: Orphanet 329191, MedGen C4014690, MONDO:0014401, OMIM 615923.
Acromesomelic dysplasia 1, Maroteaux type (AMD1). Also called: ACROMESOMELIC DYSPLASIA 1; ST. HELENA DYSPLASIA. Identifiers: Orphanet 40, MedGen C1864356, MONDO:0011275, OMIM 602875.

Submission:

Labcorp Genetics (formerly Invitae), Labcorp
Classification: Uncertain significance for Tall stature-scoliosis-macrodactyly of the great toes syndrome; Acromesomelic dysplasia 1, Maroteaux type. Last evaluated: 2025-06-03. Review status: criteria provided, single submitter. Criteria: Invitae Variant Classification Sherloc (09022015). Collection method: clinical testing. Allele origin: germline.
Comment: This sequence change replaces aspartic acid, which is acidic and polar, with alanine, which is neutral and non-polar, at codon 63 of the NPR2 protein (p.Asp63Ala). This variant is not present in population databases (gnomAD no frequency). This variant has not been reported in the literature in individuals affected with NPR2-related conditions. Invitae Evidence Modeling of protein sequence and biophysical properties (such as structural, functional, and spatial information, amino acid conservation, physicochemical variation, residue mobility, and thermodynamic stability) indicates that this missense variant is not expected to disrupt NPR2 protein function with a negative predictive value of 80%. In summary, the available evidence is currently insufficient to determine the role of this variant in disease. Therefore, it has been classified as a Variant of Uncertain Significance.